The following is an entry in ClinVar:

ClinVar aggregate classification (germline): Uncertain significance. Review status: criteria provided, multiple submitters, no conflicts (2 of 4 stars). 4 submissions from 4 submitters: Uncertain significance (4). Last evaluated 2025-10-03.

Conditions:
Emery-Dreifuss muscular dystrophy 4, autosomal dominant (EDMD4). Also called: EMERY-DREIFUSS MUSCULAR DYSTROPHY 4 WITH VARIABLE FEATURES. Identifiers: Orphanet 261, MedGen C2751807, MONDO:0013071, OMIM 612998.
Autosomal recessive ataxia, Beauce type. Also called: SYNE1-Related Autosomal Recessive Cerebellar Ataxia; Spinocerebellar ataxia, autosomal recessive 8; ATAXIA, RECESSIVE, OF BEAUCE; SYNE1 Deficiency. Identifiers: Orphanet 88644, MedGen C1853116, MONDO:0012549, OMIM 610743.

Allele frequency attached by ClinVar (database versions not stated): ExAC 0.00005; gnomAD 0.00008 and 0.00010; TOPMed 0.00011; gnomAD exomes 0.00001 and 0.00003.
gnomAD v4.1: 33 of 1,613,858 alleles (0.002%); highest among the groups gnomAD compares: African/African-American, 0.024%; no homozygotes.

Submissions (4):

Labcorp Genetics (formerly Invitae), Labcorp
Classification: Uncertain significance for Emery-Dreifuss muscular dystrophy 4, autosomal dominant; Autosomal recessive ataxia, Beauce type. Last evaluated: 2025-10-03. Review status: criteria provided, single submitter. Criteria: Invitae Variant Classification Sherloc (09022015). Collection method: clinical testing. Allele origin: germline.
Comment: This sequence change replaces arginine, which is basic and polar, with cysteine, which is neutral and slightly polar, at codon 7086 of the SYNE1 protein (p.Arg7086Cys). This variant is present in population databases (rs757688642, gnomAD 0.05%). This missense change has been observed in individual(s) with clinical features of SYNE1-related conditions (PMID: 37273706). ClinVar contains an entry for this variant (Variation ID: 576512). An algorithm developed to predict the effect of missense changes on protein structure and function outputs the following: PolyPhen-2: "Benign". The cysteine amino acid residue is found in multiple mammalian species, which suggests that this missense change does not adversely affect protein function. In summary, the available evidence is currently insufficient to determine the role of this variant in disease. Therefore, it has been classified as a Variant of Uncertain Significance.

Mayo Clinic Laboratories, Mayo Clinic
Classification: Uncertain significance. Last evaluated: 2024-04-25. Review status: criteria provided, single submitter. Criteria: ACMG Guidelines, 2015. Collection method: clinical testing. Allele origin: germline. Observed: 1 variant allele.
Comment: BP4

Revvity Omics, Revvity
Classification: Uncertain significance. Last evaluated: 2024-03-06. Review status: criteria provided, single submitter. Criteria: ACMG Guidelines, 2015. Collection method: clinical testing. Allele origin: germline.

GeneDx
Classification: Uncertain significance. Last evaluated: 2019-12-05. Review status: criteria provided, single submitter. Criteria: GeneDx Variant Classification Process June 2021. Collection method: clinical testing. Allele origin: germline. Affected: yes.
Comment: In silico analysis, which includes protein predictors and evolutionary conservation, supports a deleterious effect; Has not been previously published as pathogenic or benign to our knowledge

Literature cited by the submitters: PubMed 37273706 (cited by Labcorp Genetics (formerly Invitae), Labcorp and Mayo Clinic Laboratories, Mayo Clinic); PubMed 33726816 (cited by Mayo Clinic Laboratories, Mayo Clinic).

NM_182961.4(SYNE1):c.21469C>T (p.Arg7157Cys)

Gene: SYNE1 (spectrin repeat containing nuclear envelope protein 1; minus strand). Cytogenetic location: 6q25.2.
Variant type: single nucleotide variant.
Coding change: c.21469C>T on transcript NM_182961.4 (MANE Select); coding-DNA position 21469, C replaced by T.
Protein change: p.Arg7157Cys; replaces arginine 7157 with cysteine.
Molecular consequence: missense variant.
Genome position (GRCh38, 1-based): chr6:152,224,547, G>A on the plus strand (C>T on the coding strand, the complement: SYNE1 is on the minus strand). VCF-style: chr6-152224547-G-A. GRCh37 (hg19) VCF-style: chr6-152545682-G-A.
Other names: p.Arg7086Cys; c.21256C>T, p.Arg7086Cys (NM_033071.5); short protein forms R7086C, R7157C.
Identifiers: ClinVar variation 576512 (VCV000576512.14), dbSNP rs757688642, ClinGen allele CA4054152.
Genomic context (GRCh38, chr6:152,224,547, plus strand): 5'-TCCTTACCTGAAGATTGTCCACCTGAACTTGCACAGCTTCTAAGGAGCCAGTCAGCAGAC[G>A]GAATCGGGAAAGAGAGTATCTGGCCTCCATGAGGTAACTGTTTATCTTGTCAAAGGCCAC-3'
Protein context (NP_892006.3, residues 7147-7167): MEARYSLSRF[Arg7157Cys]LLTGSLEAVQ